The following is an entry in ClinVar:

ClinVar aggregate classification (germline): Pathogenic (1 of 4 stars; one submission).

Conditions:
Autosomal recessive limb-girdle muscular dystrophy type 2D (LGMDR3). Also called: DUCHENNE-LIKE AUTOSOMAL RECESSIVE MUSCULAR DYSTROPHY, TYPE 2; MUSCULAR DYSTROPHY, LIMB-GIRDLE, AUTOSOMAL RECESSIVE 3; ADHALINOPATHY, PRIMARY. Identifiers: Orphanet 62, MedGen C2936332, MONDO:0011968, OMIM 608099. Disease mechanism: Affects gamma-sarcoglycan and also disrupts the integrity of the entire sarcoglycan complex..

Submission:

Labcorp Genetics (formerly Invitae), Labcorp
Classification: Pathogenic for Autosomal recessive limb-girdle muscular dystrophy type 2D. Last evaluated: 2021-04-21. Review status: criteria provided, single submitter. Criteria: Invitae Variant Classification Sherloc (09022015). Collection method: clinical testing. Allele origin: germline.
Comment: This variant results in the deletion of exon(s) 1-2 and part of exon 3 (c.-261_245del) of the SGCA gene. It is expected to result in an absent or disrupted protein product. Loss-of-function variants in SGCA are known to be pathogenic (PMID: 9192266). For these reasons, this variant has been classified as Pathogenic. This variant has been observed in individual(s) with clinical features of muscular dystrophy (Invitae).

Literature cited by the submitters: PubMed 9192266.

NC_000017.10:g.(?_48243138)_(48245027_?)del

Gene: SGCA (sarcoglycan alpha; plus strand). Cytogenetic location: 17q21.33.
Variant type: Deletion.
Identifiers: ClinVar variation 1454362 (VCV001454362.8).